The following is an entry in ClinVar:

NM_003640.5(ELP1):c.923T>C (p.Leu308Pro)

Gene: ELP1 (elongator acetyltransferase complex subunit 1; minus strand). Cytogenetic location: 9q31.3.
Variant type: single nucleotide variant.
Coding change: c.923T>C on transcript NM_003640.5 (MANE Select); coding-DNA position 923, T replaced by C.
Protein change: p.Leu308Pro; replaces leucine 308 with proline.
Molecular consequence: missense variant. On other transcripts: 5 prime UTR variant (1).
Genome position (GRCh38, 1-based): chr9:108,916,239, A>G on the plus strand (T>C on the coding strand, the complement: ELP1 is on the minus strand). VCF-style: chr9-108916239-A-G. GRCh37 (hg19) VCF-style: chr9-111678519-A-G.
Other names: c.923T>C (LRG_251t1); c.581T>C, p.Leu194Pro (NM_001318360.2); c.-125T>C (NM_001330749.2); short protein forms L308P, L194P.
Identifiers: ClinVar variation 364578 (VCV000364578.30), dbSNP rs78135392, ClinGen allele CA5175196.
Genomic context (GRCh38, chr9:108,916,239, plus strand): 5'-GGCTGGGGTACTACAGCTGTCTTACCACAGGTTTTCGGAATGGAGCTTTCTTCTCTCTGA[A>G]GGTCTTCCAGCCAGACTGCAAGCACAGAGGAATCTGCATTCCAGAGCAAGTCATTTACCT-3'
Protein context (NP_003631.2, residues 298-318): SSVLAVWLED[Leu308Pro]QREESSIPKT

ClinVar aggregate classification (germline): Conflicting classifications of pathogenicity. Review status: criteria provided, conflicting classifications (1 of 4 stars). 8 submissions from 8 submitters: Uncertain significance (2); Benign (1); Likely benign (4). 1 of the submissions does not count toward it. Last evaluated 2026-02-04.

Conditions:
ELP1-related disorder. Also called: ELP1-related condition.
Familial dysautonomia. Also called: FD; HSAN III. Identifiers: Orphanet 1764, MedGen C0013364, MONDO:0009131, OMIM 223900. Disease mechanism: loss of function.

Allele frequency attached by ClinVar (database versions not stated): gnomAD exomes 0.00020 and 0.00054; ExAC 0.00068; gnomAD 0.00218 and 0.00236; TOPMed 0.00238; 1000 Genomes Project 0.00240; ESP Exome Variant Server 0.00277; 1000 Genomes Project 30x 0.00297.
gnomAD v4.1: 634 of 1,614,180 alleles (0.039%); highest among the groups gnomAD compares: African/African-American, 0.71%; 3 homozygotes.

Submissions (8):

Labcorp Genetics (formerly Invitae), Labcorp
Classification: Likely benign. Last evaluated: 2026-02-04. Review status: criteria provided, single submitter. Criteria: Invitae Variant Classification Sherloc (09022015). Collection method: clinical testing. Allele origin: germline.

Women's Health and Genetics/Laboratory Corporation of America, LabCorp
Classification: Likely benign. Last evaluated: 2026-01-20. Review status: criteria provided, single submitter. Criteria: LabCorp Variant Classification Summary - May 2015. Collection method: clinical testing. Allele origin: germline.
Comment: Variant summary: ELP1 c.923T>C (p.Leu308Pro) results in a non-conservative amino acid change in the encoded protein sequence. Algorithms developed to predict the effect of missense changes on protein structure and function are either unavailable or do not agree on the potential impact of this missense change. The variant allele was found at a frequency of 0.0007 in 282866 control chromosomes, predominantly at a frequency of 0.0075 within the African or African-American subpopulation in the gnomAD database, including 1 homozygotes. The observed variant frequency within African or African-American control individuals in the gnomAD database exceeds the estimated maximal expected allele frequency for disease-causing variants in ELP1. To our knowledge, no occurrence of c.923T>C in individuals affected with ELP1-related conditions and no experimental evidence demonstrating its impact on protein function have been reported. ClinVar contains an entry for this variant (Variation ID: 364578). Based on the evidence outlined above, the variant was classified as likely benign.

Ambry Genetics
Classification: Likely benign. Last evaluated: 2025-09-25. Review status: criteria provided, single submitter. Criteria: Ambry Variant Classification Scheme 2023. Collection method: clinical testing. Allele origin: germline.

PreventionGenetics, part of Exact Sciences
Classification: Benign for ELP1-related condition. Last evaluated: 2025-03-13. Review status: criteria provided, single submitter. Criteria: ACMG Guidelines, 2015. Collection method: clinical testing. Allele origin: germline.
Comment: This variant is classified as benign based on ACMG/AMP sequence variant interpretation guidelines (Richards et al. 2015 PMID: 25741868, with internal and published modifications).

GeneDx
Classification: Likely benign. Last evaluated: 2021-04-09. Review status: criteria provided, single submitter. Criteria: GeneDx Variant Classification Process June 2021. Collection method: clinical testing. Allele origin: germline. Affected: yes.

ARUP Laboratories, Molecular Genetics and Genomics, ARUP Laboratories
Classification: Uncertain significance for Familial dysautonomia. Last evaluated: 2020-05-07. Review status: criteria provided, single submitter. Criteria: ARUP Molecular Germline Variant Investigation Process. Collection method: clinical testing. Allele origin: germline.
Comment: The ELP1 c.923T>C; p.Leu308Pro variant (rs78135392), to our knowledge, is not reported in the medical literature but is reported in ClinVar (Variation ID: 364578). This variant is found in the African population with an allele frequency of 0.75% (186/24964 alleles, including a single homozygote) in the Genome Aggregation Database. The leucine at codon 308 is moderately conserved, and computational analyses (SIFT, PolyPhen-2) predict that this variant is deleterious. Due to limited information, the clinical significance of the p.Leu308Pro variant is uncertain at this time.

Illumina Laboratory Services, Illumina
Classification: Uncertain significance for Familial dysautonomia. Last evaluated: 2018-01-12. Review status: criteria provided, single submitter. Criteria: ICSL Variant Classification Criteria 13 December 2019. Collection method: clinical testing. Allele origin: germline.

Natera, Inc.
Classification: Benign for Familial dysautonomia. Last evaluated: 2020-05-30. Review status: no assertion criteria provided. Collection method: clinical testing. Allele origin: germline. Not counted in ClinVar's aggregate classification.